The following is an entry in ClinVar:

ClinVar aggregate classification (germline): Uncertain significance (1 of 4 stars; one submission).

Conditions:
Early-infantile DEE. Also called: Early infantile epileptic encephalopathy; Early infantile epileptic encephalopathy with suppression bursts; Ohtahara syndrome. Identifiers: Orphanet 1934, MedGen C0393706, MONDO:0800491.

Allele frequency attached by ClinVar (database versions not stated): gnomAD 0.00014; 1000 Genomes Project 30x 0.00016; TOPMed 0.00019; 1000 Genomes Project 0.00020.
gnomAD v4.1: 21 of 150,822 alleles (0.014%); highest among the groups gnomAD compares: Non-Finnish European, 0.022%; no homozygotes.

Submission:

Labcorp Genetics (formerly Invitae), Labcorp
Classification: Uncertain significance for Early-infantile DEE. Last evaluated: 2025-10-20. Review status: criteria provided, single submitter. Criteria: Invitae Variant Classification Sherloc (09022015). Collection method: clinical testing. Allele origin: germline.
Comment: This sequence change falls in intron 20 of the SCN1A gene. It does not directly change the encoded amino acid sequence of the SCN1A protein. However, this sequence change falls within a region encompassing a cryptic exon in the SCN1A gene, in which variants have been shown to alter splicing (PMID: 30526861, 34107977). This variant is present in population databases (rs534632576, gnomAD 0.03%). This variant has not been reported in the literature in individuals affected with SCN1A-related conditions. ClinVar contains an entry for this variant (Variation ID: 1635171). Algorithms developed to predict the effect of sequence changes on RNA splicing suggest that this variant is not likely to affect RNA splicing. In summary, the available evidence is currently insufficient to determine the role of this variant in disease. Therefore, it has been classified as a Variant of Uncertain Significance.

Literature cited by the submitters: PubMed 30526861; PubMed 34107977.

NM_001165963.4(SCN1A):c.4002+2640A>C

Genes: SCN1A (sodium voltage-gated channel alpha subunit 1; minus strand), LOC102724058 (uncharacterized LOC102724058; plus strand). Cytogenetic location: 2q24.3.
Variant type: single nucleotide variant.
Coding change: c.4002+2640A>C on transcript NM_001165963.4 (MANE Select); 2640 bases into the intron after coding-DNA position 4002, A replaced by C.
Molecular consequence: intron variant.
Genome position (GRCh38, 1-based): chr2:166,007,079, T>G on the plus strand (A>C on the coding strand, the complement: SCN1A is on the minus strand). VCF-style: chr2-166007079-T-G. GRCh37 (hg19) VCF-style: chr2-166863589-T-G.
Other names: c.3969+2640A>C (NM_001353949.2, NM_001353950.2, NM_001353951.2 and 2 more transcripts); c.3918+2640A>C (NM_001353958.2, NM_001353957.2, NM_001165964.3); c.4002+2640A>C (NM_001202435.3, NM_001353948.2); c.3966+2640A>C (NM_001353955.2, NM_001353954.2); c.3915+2640A>C (NM_001353960.2); c.1560+2640A>C (NM_001353961.2).
Identifiers: ClinVar variation 1635171 (VCV001635171.9), dbSNP rs534632576, ClinGen allele CA59771487.